The following is an entry in ClinVar:

ClinVar aggregate classification (germline): Uncertain significance (1 of 4 stars; one submission).

Submission:

GeneDx
Classification: Uncertain significance. Last evaluated: 2022-10-13. Review status: criteria provided, single submitter. Criteria: GeneDx Variant Classification Process June 2021. Collection method: clinical testing. Allele origin: germline. Affected: yes.
Comment: Not observed at significant frequency in large population cohorts (gnomAD); In silico analysis supports that this missense variant has a deleterious effect on protein structure/function; Has not been previously published as pathogenic or benign to our knowledge

NM_006766.5(KAT6A):c.4658T>C (p.Leu1553Pro)

Gene: KAT6A (lysine acetyltransferase 6A; minus strand). Cytogenetic location: 8p11.21.
Variant type: single nucleotide variant.
Coding change: c.4658T>C on transcript NM_006766.5 (MANE Select); coding-DNA position 4658, T replaced by C.
Protein change: p.Leu1553Pro; replaces leucine 1553 with proline.
Molecular consequence: missense variant.
Genome position (GRCh38, 1-based): chr8:41,933,562, A>G on the plus strand (T>C on the coding strand, the complement: KAT6A is on the minus strand). VCF-style: chr8-41933562-A-G. GRCh37 (hg19) VCF-style: chr8-41791080-A-G.
Other names: short protein forms L1553P.
Identifiers: ClinVar variation 2499864 (VCV002499864.1), dbSNP rs2486754163, ClinGen allele CA371065118.